The following is an entry in ClinVar:

ClinVar aggregate classification (germline): Benign/Likely benign. Review status: criteria provided, multiple submitters, no conflicts (2 of 4 stars). 2 submissions from 2 submitters: Benign (1); Likely benign (1). Last evaluated 2024-06-27.

Conditions:
Oligodontia-cancer predisposition syndrome. Also called: TOOTH AGENESIS-COLORECTAL CANCER SYNDROME. Identifiers: Orphanet 300576, MedGen C1837750, MONDO:0012075, OMIM 608615. Disease mechanism: loss of function.

Allele frequency attached by ClinVar (database versions not stated): gnomAD below 0.00001 and 0.00001; gnomAD exomes below 0.00001 and 0.00001.
gnomAD v4.1: 4 of 1,614,032 alleles (0.00025%); highest among the groups gnomAD compares: South Asian, 0.0033%; no homozygotes.

Submissions (2):

Myriad Genetics, Inc.
Classification: Benign for Oligodontia-cancer predisposition syndrome. Last evaluated: 2024-06-27. Review status: criteria provided, single submitter. Criteria: Myriad Autosomal Dominant, Autosomal Recessive and X-Linked Classification Criteria (2023). Collection method: clinical testing. Allele origin: unknown.
Comment: This variant is considered benign. This variant is a silent/synonymous amino acid change and it is not expected to impact splicing.

Labcorp Genetics (formerly Invitae), Labcorp
Classification: Likely benign for Oligodontia-cancer predisposition syndrome. Last evaluated: 2023-08-18. Review status: criteria provided, single submitter. Criteria: Invitae Variant Classification Sherloc (09022015). Collection method: clinical testing. Allele origin: germline.

NM_004655.4(AXIN2):c.678C>A (p.Pro226=)

Gene: AXIN2 (axin 2; minus strand). Cytogenetic location: 17q24.1.
Variant type: single nucleotide variant.
Coding change: c.678C>A on transcript NM_004655.4 (MANE Select); coding-DNA position 678, C replaced by A.
Protein change: p.Pro226=; no amino-acid change (proline 226 retained).
Molecular consequence: synonymous variant.
Genome position (GRCh38, 1-based): chr17:65,557,943, G>T on the plus strand (C>A on the coding strand, the complement: AXIN2 is on the minus strand). VCF-style: chr17-65557943-G-T. GRCh37 (hg19) VCF-style: chr17-63554061-G-T.
Other names: c.678C>A (LRG_296t1); c.678C>A, p.Pro226= (NM_001363813.1).
Identifiers: ClinVar variation 464638 (VCV000464638.9), dbSNP rs1425302866, ClinGen allele CA501691411.